The following is an entry in ClinVar:

NM_001077350.3(NPRL3):c.280G>T (p.Val94Phe)

Genes: HBA-LCR (alpha-globin locus control region; plus strand), NPRL3 (NPR3 like, GATOR1 complex subunit; minus strand). Cytogenetic location: 16p13.3.
Variant type: single nucleotide variant.
Coding change: c.280G>T on transcript NM_001077350.3 (MANE Select); coding-DNA position 280, G replaced by T.
Protein change: p.Val94Phe; replaces valine 94 with phenylalanine.
Molecular consequence: missense variant. On other transcripts: intron variant (1).
Genome position (GRCh38, 1-based): chr16:119,164, C>A on the plus strand (G>T on the coding strand, the complement: NPRL3 is on the minus strand). VCF-style: chr16-119164-C-A. GRCh37 (hg19) VCF-style: chr16-169163-C-A.
Other names: c.46G>T, p.Val16Phe (NM_001243247.2); c.280G>T, p.Val94Phe (NM_001243248.2, NM_001243249.2); c.-144-6389G>T (NM_001039476.3); short protein forms V16F, V94F.
Identifiers: ClinVar variation 4537762 (VCV004537762.1).

ClinVar aggregate classification (germline): Uncertain significance (1 of 4 stars; one submission).

gnomAD v4.1: 2 of 1,613,380 alleles (0.00012%); highest among the groups gnomAD compares: East Asian, 0.0022%; no homozygotes.

Submission:

GeneDx
Classification: Uncertain significance. Last evaluated: 2025-06-12. Review status: criteria provided, single submitter. Criteria: GeneDx Variant Classification Process June 2021. Collection method: clinical testing. Allele origin: germline. Affected: yes.
Comment: Not observed at significant frequency in large population cohorts (gnomAD); In silico analysis supports that this missense variant has a deleterious effect on protein structure/function; Has not been previously published as pathogenic or benign to our knowledge